The following is an entry in ClinVar:

NM_000127.3(EXT1):c.1036A>G (p.Arg346Gly)

Gene: EXT1 (exostosin glycosyltransferase 1; minus strand). Cytogenetic location: 8q24.11.
Variant type: single nucleotide variant.
Coding change: c.1036A>G on transcript NM_000127.3 (MANE Select); coding-DNA position 1036, A replaced by G.
Protein change: p.Arg346Gly; replaces arginine 346 with glycine.
Molecular consequence: missense variant.
Genome position (GRCh38, 1-based): chr8:117,837,128, T>C on the plus strand (A>G on the coding strand, the complement: EXT1 is on the minus strand). VCF-style: chr8-117837128-T-C. GRCh37 (hg19) VCF-style: chr8-118849367-T-C.
Other names: short protein forms R346G.
Identifiers: ClinVar variation 526301 (VCV000526301.10), dbSNP rs1554580147, ClinGen allele CA371893255.

ClinVar aggregate classification (germline): Pathogenic/Likely pathogenic. Review status: criteria provided, multiple submitters, no conflicts (2 of 4 stars). 3 submissions from 3 submitters: Pathogenic (1); Likely pathogenic (2). Last evaluated 2026-02-20.

Conditions:
EXT1-related disorder. Also called: EXT1-related condition.
Multiple congenital exostosis (EXT). Also called: Multiple osteochondromas; Hereditary multiple osteochondromas; MULTIPLE CARTILAGINOUS EXOSTOSES; Multiple exostoses; Hereditary multiple exostoses; Hereditary multiple exostosis. Identifiers: Orphanet 321, MedGen C0015306, MONDO:0005508, HP:0002762.

Submissions (3):

PreventionGenetics, part of Exact Sciences
Classification: Likely pathogenic for EXT1-related condition. Last evaluated: 2026-02-20. Review status: criteria provided, single submitter. Criteria: ACMG Guidelines, 2015. Collection method: clinical testing. Allele origin: germline.
Comment: The EXT1 c.1036A>G variant is predicted to result in the amino acid substitution p.Arg346Gly. This variant has been reported in at least two individuals with multiple osteochondromas (Signori et al. 2007. PubMed ID: 17301954; Jamsheer et al. 2014. PubMed ID: 24532482). This variant has not been reported in a large population database (gnomAD), indicating this variant is rare. Alternate missense changes impacting the same amino acid (p.Arg346Thr and p.Arg346Ser) have also been reported in individuals with multiple osteochondromas, suggesting that the p.Arg346 residue is important for EXT1 function (Table S1, Jennes et al. 2009. PubMed ID: 19810120). Taken together, the c.1036A>G (p.Arg346Gly) variant is interpreted as likely pathogenic.

GeneDx
Classification: Likely pathogenic. Last evaluated: 2025-01-16. Review status: criteria provided, single submitter. Criteria: GeneDx Variant Classification Process June 2021. Collection method: clinical testing. Allele origin: germline. Affected: yes.
Comment: Identified in patients with clinical and radiological features of EXT1-related disorder referred for genetic testing at GeneDx and in published literature (PMID: 24532482, 17301954); Not observed at significant frequency in large population cohorts (gnomAD); In silico analysis supports that this missense variant has a deleterious effect on protein structure/function; This variant is associated with the following publications: (PMID: 19810120, 24532482, 17301954)

Labcorp Genetics (formerly Invitae), Labcorp
Classification: Pathogenic for Multiple congenital exostosis. Last evaluated: 2021-02-13. Review status: criteria provided, single submitter. Criteria: Invitae Variant Classification Sherloc (09022015). Collection method: clinical testing. Allele origin: germline.
Comment: For these reasons, this variant has been classified as Pathogenic. Algorithms developed to predict the effect of missense changes on protein structure and function (SIFT, PolyPhen-2, Align-GVGD) all suggest that this variant is likely to be disruptive, but these predictions have not been confirmed by published functional studies and their clinical significance is uncertain. This variant has been reported in the literature in multiple individuals with multiple osteochondromas (PMID: 17301954, 19810120, 24532482). This variant is not present in population databases (ExAC no frequency). This sequence change replaces arginine with glycine at codon 346 of the EXT1 protein (p.Arg346Gly). The arginine residue is highly conserved and there is a moderate physicochemical difference between arginine and glycine.

Literature cited by the submitters: PubMed 17301954 (cited by Labcorp Genetics (formerly Invitae), Labcorp); PubMed 19810120 (cited by Labcorp Genetics (formerly Invitae), Labcorp); PubMed 24532482 (cited by Labcorp Genetics (formerly Invitae), Labcorp).